The following is an entry in ClinVar:

NM_175875.5(SIX5):c.282C>G (p.Val94=)

Genes: DM1-AS (DM1 locus antisense RNA; plus strand), SIX5 (SIX homeobox 5; minus strand), LOC107075317 (origin of replication in DMPK trinucleotide repeat region; plus strand), LOC129929037 (ATAC-STARR-seq lymphoblastoid silent region 10794; plus strand). Cytogenetic location: 19q13.32.
Variant type: single nucleotide variant.
Coding change: c.282C>G on transcript NM_175875.5 (MANE Select); coding-DNA position 282, C replaced by G.
Protein change: p.Val94=; no amino-acid change (valine 94 retained).
Molecular consequence: synonymous variant.
Genome position (GRCh38, 1-based): chr19:45,768,563, G>C on the plus strand (C>G on the coding strand, the complement: SIX5 is on the minus strand). VCF-style: chr19-45768563-G-C. GRCh37 (hg19) VCF-style: chr19-46271821-G-C.
Identifiers: ClinVar variation 3346907 (VCV003346907.1).
Genomic context (GRCh38, chr19:45,768,563, plus strand): 5'-CAGTGCGCCCAGGAAGCGGCTCAAGCGGCCGGCGTGGCCCGCCTGGAGCAGCGCCTCGCA[G>C]ACGCACGCCACCTGCTCGGGCGAGAAGCGGAGGCCCGTGGGCGGTTCGGAAGCGGCCTCG-3'
Protein context (NP_787071.3, residues 84-104): LRFSPEQVAC[Val94=]CEALLQAGHA

ClinVar aggregate classification (germline): Likely benign (0 of 4 stars; one submission).

Conditions:
SIX5-related disorder. Also called: SIX5-related condition.

Submission:

PreventionGenetics, part of Exact Sciences
Classification: Likely benign for SIX5-related condition. Last evaluated: 2020-03-05. Review status: no assertion criteria provided. Collection method: clinical testing. Allele origin: germline.
Comment: This variant is classified as likely benign based on ACMG/AMP sequence variant interpretation guidelines (Richards et al. 2015 PMID: 25741868, with internal and published modifications).